The following is an entry in ClinVar:

ClinVar aggregate classification (germline): Uncertain significance (1 of 4 stars; one submission).

gnomAD v4.1: 2 of 1,614,026 alleles (0.00012%); highest among the groups gnomAD compares: African/African-American, 0.0013%; no homozygotes.

Submission:

Ambry Genetics
Classification: Uncertain significance. Last evaluated: 2026-05-14. Review status: criteria provided, single submitter. Criteria: Ambry Variant Classification Scheme 2023. Collection method: clinical testing. Allele origin: germline.
Comment: The p.T168A variant (also known as c.502A>G), located in coding exon 1 of the TET2 gene, results from an A to G substitution at nucleotide position 502. The threonine at codon 168 is replaced by alanine, an amino acid with similar properties. This amino acid position is conserved. In addition, this alteration is predicted to be tolerated by in silico analysis. Based on the available evidence, the clinical significance of this variant remains unclear.

NM_001127208.3(TET2):c.502A>G (p.Thr168Ala)

Genes: TET2 (tet methylcytosine dioxygenase 2; plus strand), TET2-AS1 (TET2 antisense RNA 1; minus strand). Cytogenetic location: 4q24.
Variant type: single nucleotide variant.
Coding change: c.502A>G on transcript NM_001127208.3 (MANE Select); coding-DNA position 502, A replaced by G.
Protein change: p.Thr168Ala; replaces threonine 168 with alanine.
Molecular consequence: missense variant.
Genome position (GRCh38, 1-based): chr4:105,234,444, A>G. VCF-style: chr4-105234444-A-G. GRCh37 (hg19) VCF-style: chr4-106155601-A-G.
Other names: c.502A>G, p.Thr168Ala (NM_017628.4); short protein forms T168A.
Identifiers: ClinVar variation 4865570 (VCV004865570.1).